The following is an entry in ClinVar:

ClinVar aggregate classification (germline): Uncertain significance (1 of 4 stars; one submission).

Submission:

Mayo Clinic Laboratories, Mayo Clinic
Classification: Uncertain significance. Last evaluated: 2025-12-12. Review status: criteria provided, single submitter. Criteria: ACMG Guidelines, 2015. Collection method: clinical testing. Allele origin: germline. Observed: 1 variant allele.
Comment: PP3, PM2_supporting, PS1_supporting

NM_007214.5(SEC63):c.1440+6_1440+33del

Gene: SEC63 (SEC63 protein translocation regulator; minus strand). Cytogenetic location: 6q21.
Variant type: Deletion.
Coding change: c.1440+6_1440+33del on transcript NM_007214.5 (MANE Select); bases 6 to 33 of the intron after coding-DNA position 1440, 28 bases deleted (TAGTCTATCTGTATTTTTATGCTTTAAG).
Molecular consequence: splice donor variant.
Genome position (GRCh38, 1-based): chr6:107,897,616-107,897,643, CTTAAAGCATAAAAATACAGATAGACTA deleted on the plus strand (TAGTCTATCTGTATTTTTATGCTTTAAG on the coding strand, the reverse complement: SEC63 is on the minus strand); deleting any 28 consecutive bases within chr6:107,897,616-107,897,647 gives the same sequence; the c. name uses the placement nearest the transcript's 3' end. VCF-style (leftmost placement, unchanged base first): chr6-107897615-TCTTAAAGCATAAAAATACAGATAGACTA-T. GRCh37 (hg19) VCF-style: chr6-108218819-TCTTAAAGCATAAAAATACAGATAGACTA-T.
Other names: p.?.
Identifiers: ClinVar variation 4541197 (VCV004541197.1).